The following is an entry in ClinVar:

ClinVar aggregate classification (germline): Uncertain significance (1 of 4 stars; one submission).

Conditions:
Glycogen storage disease IXb (GSD9B). Also called: PHOSPHORYLASE KINASE DEFICIENCY OF LIVER AND MUSCLE, AUTOSOMAL RECESSIVE; GLYCOGENOSIS OF LIVER AND MUSCLE, AUTOSOMAL RECESSIVE; GSD IXb. Identifiers: Orphanet 79240, MedGen C0543514, MONDO:0009868, OMIM 261750.

Allele frequency attached by ClinVar (database versions not stated): gnomAD 0.00001.
gnomAD v4.1: 1 of 1,613,908 alleles (0.000062%); highest among the groups gnomAD compares: Non-Finnish European, 0.000085%; no homozygotes.

Submission:

Labcorp Genetics (formerly Invitae), Labcorp
Classification: Uncertain significance for Glycogen storage disease IXb. Last evaluated: 2022-02-18. Review status: criteria provided, single submitter. Criteria: Invitae Variant Classification Sherloc (09022015). Collection method: clinical testing. Allele origin: germline.
Comment: This sequence change replaces alanine, which is neutral and non-polar, with valine, which is neutral and non-polar, at codon 959 of the PHKB protein (p.Ala959Val). This variant is not present in population databases (gnomAD no frequency). This variant has not been reported in the literature in individuals affected with PHKB-related conditions. Algorithms developed to predict the effect of missense changes on protein structure and function are either unavailable or do not agree on the potential impact of this missense change (SIFT: "Deleterious"; PolyPhen-2: "Possibly Damaging"; Align-GVGD: "Class C0"). In summary, the available evidence is currently insufficient to determine the role of this variant in disease. Therefore, it has been classified as a Variant of Uncertain Significance.

NM_000293.3(PHKB):c.2876C>T (p.Ala959Val)

Gene: PHKB (phosphorylase kinase regulatory subunit beta; plus strand). Cytogenetic location: 16q12.1.
Variant type: single nucleotide variant.
Coding change: c.2876C>T on transcript NM_000293.3 (MANE Select); coding-DNA position 2876, C replaced by T.
Protein change: p.Ala959Val; replaces alanine 959 with valine.
Molecular consequence: missense variant.
Genome position (GRCh38, 1-based): chr16:47,693,488, C>T. VCF-style: chr16-47693488-C-T. GRCh37 (hg19) VCF-style: chr16-47727399-C-T.
Other names: c.2855C>T, p.Ala952Val (NM_001031835.3); c.2876C>T, p.Ala959Val (NM_001363837.1); short protein forms A959V, A952V.
Identifiers: ClinVar variation 1905134 (VCV001905134.2), dbSNP rs764252270, ClinGen allele CA396100729.